The following is an entry in ClinVar:

NM_001379286.1(ZNF423):c.1970C>T (p.Thr657Ile)

Gene: ZNF423 (zinc finger protein 423; minus strand). Cytogenetic location: 16q12.1.
Variant type: single nucleotide variant.
Coding change: c.1970C>T on transcript NM_001379286.1 (MANE Select); coding-DNA position 1970, C replaced by T.
Protein change: p.Thr657Ile; replaces threonine 657 with isoleucine.
Molecular consequence: missense variant.
Genome position (GRCh38, 1-based): chr16:49,637,206, G>A on the plus strand (C>T on the coding strand, the complement: ZNF423 is on the minus strand). VCF-style: chr16-49637206-G-A. GRCh37 (hg19) VCF-style: chr16-49671117-G-A.
Other names: c.1766C>T, p.Thr589Ile (NM_001271620.2); c.1595C>T, p.Thr532Ile (NM_001330533.2); c.1946C>T, p.Thr649Ile (NM_015069.5); short protein forms T649I, T532I, T589I, T657I.
Identifiers: ClinVar variation 2077339 (VCV002077339.4), dbSNP rs2506999501, ClinGen allele CA395845272.

ClinVar aggregate classification (germline): Uncertain significance (1 of 4 stars; one submission).

Conditions:
Nephronophthisis 14 (NPHP14). Identifiers: Orphanet 2318, MedGen C3539071, MONDO:0013916, OMIM 614844.

Submission:

Labcorp Genetics (formerly Invitae), Labcorp
Classification: Uncertain significance for Nephronophthisis 14. Last evaluated: 2022-01-07. Review status: criteria provided, single submitter. Criteria: Invitae Variant Classification Sherloc (09022015). Collection method: clinical testing. Allele origin: germline.
Comment: In summary, the available evidence is currently insufficient to determine the role of this variant in disease. Therefore, it has been classified as a Variant of Uncertain Significance. Algorithms developed to predict the effect of missense changes on protein structure and function are either unavailable or do not agree on the potential impact of this missense change (SIFT: "Tolerated"; PolyPhen-2: "Possibly Damaging"; Align-GVGD: "Class C0"). This variant has not been reported in the literature in individuals affected with ZNF423-related conditions. This variant is not present in population databases (gnomAD no frequency). This sequence change replaces threonine, which is neutral and polar, with isoleucine, which is neutral and non-polar, at codon 649 of the ZNF423 protein (p.Thr649Ile).